The following is an entry in ClinVar:

NM_001009944.3(PKD1):c.11883C>G (p.Arg3961=)

Gene: PKD1 (polycystin 1, transient receptor potential channel interacting; minus strand). Cytogenetic location: 16p13.3.
Variant type: single nucleotide variant.
Coding change: c.11883C>G on transcript NM_001009944.3 (MANE Select); coding-DNA position 11883, C replaced by G.
Protein change: p.Arg3961=; no amino-acid change (arginine 3961 retained).
Molecular consequence: synonymous variant.
Genome position (GRCh38, 1-based): chr16:2,091,004, G>C on the plus strand (C>G on the coding strand, the complement: PKD1 is on the minus strand). VCF-style: chr16-2091004-G-C. GRCh37 (hg19) VCF-style: chr16-2141005-G-C.
Other names: c.11880C>G, p.Arg3960= (NM_000296.4).
Identifiers: ClinVar variation 3038395 (VCV003038395.2), dbSNP rs746126808, ClinGen allele CA493044433.

ClinVar aggregate classification (germline): Likely benign (0 of 4 stars; one submission).

Conditions:
PKD1-related disorder. Also called: PKD1-related condition.

Submission:

PreventionGenetics, part of Exact Sciences
Classification: Likely benign for PKD1-related condition. Last evaluated: 2021-02-09. Review status: no assertion criteria provided. Collection method: clinical testing. Allele origin: germline.
Comment: This variant is classified as likely benign based on ACMG/AMP sequence variant interpretation guidelines (Richards et al. 2015 PMID: 25741868, with internal and published modifications).